The following is an entry in ClinVar:

NM_152490.5(B3GALNT2):c.978C>T (p.Val326=)

Gene: B3GALNT2 (beta-1,3-N-acetylgalactosaminyltransferase 2; minus strand). Cytogenetic location: 1q42.3.
Variant type: single nucleotide variant.
Coding change: c.978C>T on transcript NM_152490.5 (MANE Select); coding-DNA position 978, C replaced by T.
Protein change: p.Val326=; no amino-acid change (valine 326 retained).
Molecular consequence: synonymous variant.
Genome position (GRCh38, 1-based): chr1:235,458,650, G>A on the plus strand (C>T on the coding strand, the complement: B3GALNT2 is on the minus strand). VCF-style: chr1-235458650-G-A. GRCh37 (hg19) VCF-style: chr1-235621958-G-A.
Identifiers: ClinVar variation 1151096 (VCV001151096.8), dbSNP rs368371048, ClinGen allele CA1464738.

ClinVar aggregate classification (germline): Likely benign. Review status: criteria provided, multiple submitters, no conflicts (2 of 4 stars). 2 submissions from 2 submitters: Likely benign (2). Last evaluated 2026-07-01.

Conditions:
Muscular dystrophy-dystroglycanopathy (congenital with brain and eye anomalies), type a, 11 (MDDGA11). Also called: Muscular dystrophy-dystroglycanopathy (congenital with brain and eye anomalies, type A, 11; Congenital muscular dystrophy-dystroglycanopathy with brain and eye anomalies, type A11; WALKER-WARBURG SYNDROME OR MUSCLE-EYE-BRAIN DISEASE, B3GALNT2-RELATED. Identifiers: Orphanet 588, Orphanet 899, MedGen C3554638, MONDO:0014071, OMIM 615181.

Allele frequency attached by ClinVar (database versions not stated): gnomAD exomes 0.00002; gnomAD 0.00003; ExAC 0.00004; ESP Exome Variant Server 0.00008.
gnomAD v4.1: 22 of 1,611,610 alleles (0.0014%); highest among the groups gnomAD compares: African/African-American, 0.004%; no homozygotes.

Submissions (2):

CeGaT Center for Human Genetics Tuebingen
Classification: Likely benign. Last evaluated: 2026-07-01. Review status: criteria provided, single submitter. Criteria: CeGaT Center For Human Genetics Tuebingen Variant Classification Criteria Version 2. Collection method: clinical testing. Allele origin: germline. Affected: yes. Observed: 1 variant allele.
Comment: B3GALNT2: BP4, BP7

Labcorp Genetics (formerly Invitae), Labcorp
Classification: Likely benign for Muscular dystrophy-dystroglycanopathy (congenital with brain and eye anomalies), type a, 11. Last evaluated: 2023-10-06. Review status: criteria provided, single submitter. Criteria: Invitae Variant Classification Sherloc (09022015). Collection method: clinical testing. Allele origin: germline.